The following is an entry in ClinVar:

ClinVar aggregate classification (germline): Benign/Likely benign. Review status: criteria provided, multiple submitters, no conflicts (2 of 4 stars). 8 submissions from 8 submitters: Benign (1); Likely benign (7). Last evaluated 2025-12-20.

Conditions:
Melanoma, cutaneous malignant, susceptibility to, 1 (CMM1). Also called: DYSPLASTIC NEVUS SYNDROME, HEREDITARY; FAMILIAL ATYPICAL MOLE-MALIGNANT MELANOMA SYNDROME; MELANOMA, MALIGNANT; B-K MOLE SYNDROME. Identifiers: Orphanet 618, MedGen C1835047, MONDO:0007963, OMIM 155600.
Germ cell tumor of testis (TGCT). Also called: Testicular germ cell tumor; GERM CELL TUMOR, SOMATIC. Identifiers: Orphanet 363504, MedGen C1336708, MONDO:0010108, OMIM 273300.
Familial pancreatic carcinoma. Identifiers: Orphanet 1333, MedGen C2931038, MONDO:0015278, OMIM 260350.
Peutz-Jeghers syndrome (PJS). Also called: Peutz-Jeghers polyposis; Periorificial lentiginosis syndrome; POLYPOSIS, HAMARTOMATOUS INTESTINAL; POLYPS-AND-SPOTS SYNDROME. Identifiers: Orphanet 2869, MedGen C0031269, MeSH D010580, MONDO:0008280, OMIM 175200.
Hereditary cancer-predisposing syndrome. Also called: Neoplastic Syndromes, Hereditary; Hereditary neoplastic syndrome; Tumor predisposition; Hereditary Cancer Syndrome. Identifiers: Orphanet 140162, MedGen C0027672, MeSH D009386, MONDO:0015356.

Allele frequency attached by ClinVar (database versions not stated): gnomAD below 0.00001 and 0.00001.
gnomAD v4.1: 30 of 1,608,882 alleles (0.0019%); highest among the groups gnomAD compares: South Asian, 0.03%; no homozygotes.

Submissions (8):

Labcorp Genetics (formerly Invitae), Labcorp
Classification: Likely benign for Peutz-Jeghers syndrome. Last evaluated: 2025-12-20. Review status: criteria provided, single submitter. Criteria: Invitae Variant Classification Sherloc (09022015). Collection method: clinical testing. Allele origin: germline.

Myriad Genetics, Inc.
Classification: Benign for Peutz-Jeghers syndrome. Last evaluated: 2025-03-27. Review status: criteria provided, single submitter. Criteria: Myriad Autosomal Dominant, Autosomal Recessive and X-Linked Classification Criteria (2023). Collection method: clinical testing. Allele origin: unknown.
Comment: This variant is considered benign. This variant is a silent/synonymous amino acid change and it is not expected to impact splicing.

Department of Pathology and Laboratory Medicine, Sinai Health System
Classification: Likely benign for Melanoma, cutaneous malignant, susceptibility to, 1; Peutz-Jeghers syndrome; Familial pancreatic carcinoma; Germ cell tumor of testis. Last evaluated: 2024-10-21. Review status: criteria provided, single submitter. Criteria: ACMG Guidelines, 2015. Collection method: clinical testing. Allele origin: germline.

CeGaT Center for Human Genetics Tuebingen
Classification: Likely benign. Last evaluated: 2024-03-01. Review status: criteria provided, single submitter. Criteria: CeGaT Center For Human Genetics Tuebingen Variant Classification Criteria Version 2. Collection method: clinical testing. Allele origin: germline. Affected: yes. Observed: 1 variant allele.
Comment: STK11: BP4, BP7

All of Us Research Program, National Institutes of Health
Classification: Likely benign for Peutz-Jeghers syndrome. Last evaluated: 2023-10-02. Review status: criteria provided, single submitter. Criteria: ACMG Guidelines, 2015. Collection method: clinical testing. Allele origin: germline. Inheritance: Autosomal dominant inheritance. Observed: 1 variant allele, 1 heterozygote.
Comment: This study involves interpretation of variants in research participants for the purpose of population health screening. Participant phenotype was not available at the time of variant classification. Additional details can be found in publication PMID: 35346344, PMCID: PMC8962531

Color Diagnostics, LLC DBA Color Health
Classification: Likely benign for Hereditary cancer-predisposing syndrome. Last evaluated: 2018-08-14. Review status: criteria provided, single submitter. Criteria: ACMG Guidelines, 2015. Collection method: clinical testing. Allele origin: germline.

GeneDx
Classification: Likely benign. Last evaluated: 2016-04-14. Review status: criteria provided, single submitter. Criteria: GeneDx Variant Classification (06012015). Collection method: clinical testing. Allele origin: germline. Affected: yes.
Comment: This variant is considered likely benign or benign based on one or more of the following criteria: it is a conservative change, it occurs at a poorly conserved position in the protein, it is predicted to be benign by multiple in silico algorithms, and/or has population frequency not consistent with disease.

Ambry Genetics
Classification: Likely benign for Hereditary cancer-predisposing syndrome. Last evaluated: 2015-09-09. Review status: criteria provided, single submitter. Criteria: Ambry Variant Classification Scheme 2023. Collection method: clinical testing. Allele origin: germline.

Literature cited by the submitters: PubMed 30287823 (cited by Department of Pathology and Laboratory Medicine, Sinai Health System).

NM_000455.5(STK11):c.726G>A (p.Gly242=)

Gene: STK11 (serine/threonine kinase 11; plus strand). Cytogenetic location: 19p13.3.
Variant type: single nucleotide variant.
Coding change: c.726G>A on transcript NM_000455.5 (MANE Select); coding-DNA position 726, G replaced by A.
Protein change: p.Gly242=; no amino-acid change (glycine 242 retained).
Molecular consequence: synonymous variant.
Genome position (GRCh38, 1-based): chr19:1,220,709, G>A. VCF-style: chr19-1220709-G-A. GRCh37 (hg19) VCF-style: chr19-1220708-G-A.
Identifiers: ClinVar variation 385591 (VCV000385591.40), dbSNP rs776823114, ClinGen allele CA048570.
Genomic context (GRCh38, chr19:1,220,709, plus strand): 5'-CGAGATTGCCAACGGCCTGGACACCTTCTCCGGCTTCAAGGTGGACATCTGGTCGGCTGG[G>A]GTCACCCTGTAAGTGCCCCGCCCCCCCGGGCACTCACCACACGCACACTCCGAGGGGCCT-3'
Protein context (NP_000446.1, residues 232-252): SGFKVDIWSA[Gly242=]VTLYNITTGL